The following is an entry in ClinVar:

NM_001395462.2(LUZP1):c.312G>T (p.Arg104=)

Gene: LUZP1 (leucine zipper protein 1; minus strand). Cytogenetic location: 1p36.12.
Variant type: single nucleotide variant.
Coding change: c.312G>T on transcript NM_001395462.2 (MANE Select); coding-DNA position 312, G replaced by T.
Protein change: p.Arg104=; no amino-acid change (arginine 104 retained).
Molecular consequence: synonymous variant.
Genome position (GRCh38, 1-based): chr1:23,093,950, C>A on the plus strand (G>T on the coding strand, the complement: LUZP1 is on the minus strand). VCF-style: chr1-23093950-C-A. GRCh37 (hg19) VCF-style: chr1-23420443-C-A.
Other names: c.312G>T, p.Arg104= (NM_001142546.4, NM_001395461.1, NM_033631.5).
Identifiers: ClinVar variation 5038843 (VCV005038843.1).

ClinVar aggregate classification (germline): Likely benign (1 of 4 stars; one submission).

gnomAD v4.1: 752 of 1,614,182 alleles (0.047%); highest among the groups gnomAD compares: Middle Eastern, 0.36%; 1 homozygote.

Submission:

CeGaT Center for Human Genetics Tuebingen
Classification: Likely benign. Last evaluated: 2026-08-01. Review status: criteria provided, single submitter. Criteria: CeGaT Center For Human Genetics Tuebingen Variant Classification Criteria Version 2. Collection method: clinical testing. Allele origin: germline. Affected: yes. Observed: 1 variant allele.
Comment: LUZP1: BP4, BP7